The following is an entry in ClinVar:

NM_015311.3(OBSL1):c.4771G>A (p.Gly1591Ser)

Gene: OBSL1 (obscurin like cytoskeletal adaptor 1; minus strand). Cytogenetic location: 2q35.
Variant type: single nucleotide variant.
Coding change: c.4771G>A on transcript NM_015311.3 (MANE Select); coding-DNA position 4771, G replaced by A.
Protein change: p.Gly1591Ser; replaces glycine 1591 with serine.
Molecular consequence: missense variant.
Genome position (GRCh38, 1-based): chr2:219,554,579, C>T on the plus strand (G>A on the coding strand, the complement: OBSL1 is on the minus strand). VCF-style: chr2-219554579-C-T. GRCh37 (hg19) VCF-style: chr2-220419301-C-T.
Other names: c.4771G>A (NM_015311.2); short protein forms G1591S.
Identifiers: ClinVar variation 2068439 (VCV002068439.5), dbSNP rs771265913, ClinGen allele CA2130434.

ClinVar aggregate classification (germline): Uncertain significance. Review status: criteria provided, multiple submitters, no conflicts (2 of 4 stars). 2 submissions from 2 submitters: Uncertain significance (2). Last evaluated 2025-09-26.

Conditions:
Inborn genetic diseases. Identifiers: MedGen C0950123, MeSH D030342.

Allele frequency attached by ClinVar (database versions not stated): gnomAD 0.00006; ExAC 0.00002; TOPMed 0.00002.
gnomAD v4.1: 97 of 1,613,216 alleles (0.006%); highest among the groups gnomAD compares: African/African-American, 0.008%; no homozygotes.

Submissions (2):

Ambry Genetics
Classification: Uncertain significance for Inborn genetic diseases. Last evaluated: 2025-09-26. Review status: criteria provided, single submitter. Criteria: Ambry Variant Classification Scheme 2023. Collection method: clinical testing. Allele origin: germline.

Labcorp Genetics (formerly Invitae), Labcorp
Classification: Uncertain significance. Last evaluated: 2023-10-13. Review status: criteria provided, single submitter. Criteria: Invitae Variant Classification Sherloc (09022015). Collection method: clinical testing. Allele origin: germline.
Comment: This sequence change replaces glycine, which is neutral and non-polar, with serine, which is neutral and polar, at codon 1591 of the OBSL1 protein (p.Gly1591Ser). This variant is present in population databases (rs771265913, gnomAD 0.008%). This variant has not been reported in the literature in individuals affected with OBSL1-related conditions. ClinVar contains an entry for this variant (Variation ID: 2068439). Algorithms developed to predict the effect of missense changes on protein structure and function output the following: SIFT: "Not Available"; PolyPhen-2: "Benign"; Align-GVGD: "Not Available". The serine amino acid residue is found in multiple mammalian species, which suggests that this missense change does not adversely affect protein function. In summary, the available evidence is currently insufficient to determine the role of this variant in disease. Therefore, it has been classified as a Variant of Uncertain Significance.